The following is an entry in ClinVar:

NM_004736.4(XPR1):c.1103A>G (p.Tyr368Cys)

Gene: XPR1 (xenotropic and polytropic retrovirus receptor 1; plus strand). Cytogenetic location: 1q25.3.
Variant type: single nucleotide variant.
Coding change: c.1103A>G on transcript NM_004736.4 (MANE Select); coding-DNA position 1103, A replaced by G.
Protein change: p.Tyr368Cys; replaces tyrosine 368 with cysteine.
Molecular consequence: missense variant. On other transcripts: non-coding transcript variant (1).
Genome position (GRCh38, 1-based): chr1:180,825,313, A>G. VCF-style: chr1-180825313-A-G. GRCh37 (hg19) VCF-style: chr1-180794449-A-G.
Other names: c.1103A>G, p.Tyr368Cys (NM_001135669.2, NM_001328662.2); short protein forms Y368C.
Identifiers: ClinVar variation 5039289 (VCV005039289.1).

ClinVar aggregate classification (germline): Uncertain significance (1 of 4 stars; one submission).

gnomAD v4.1: 16 of 1,613,608 alleles (0.00099%); highest among the groups gnomAD compares: African/African-American, 0.004%; no homozygotes.

Submission:

CeGaT Center for Human Genetics Tuebingen
Classification: Uncertain significance. Last evaluated: 2026-08-01. Review status: criteria provided, single submitter. Criteria: CeGaT Center For Human Genetics Tuebingen Variant Classification Criteria Version 2. Collection method: clinical testing. Allele origin: germline. Affected: yes. Observed: 1 variant allele.
Comment: XPR1: PM2